The following is an entry in ClinVar:

NM_002582.4(PARN):c.908C>G (p.Pro303Arg)

Gene: PARN (poly(A)-specific ribonuclease; minus strand). Cytogenetic location: 16p13.12.
Variant type: single nucleotide variant.
Coding change: c.908C>G on transcript NM_002582.4 (MANE Select); coding-DNA position 908, C replaced by G.
Protein change: p.Pro303Arg; replaces proline 303 with arginine.
Molecular consequence: missense variant.
Genome position (GRCh38, 1-based): chr16:14,593,311, G>C on the plus strand (C>G on the coding strand, the complement: PARN is on the minus strand). VCF-style: chr16-14593311-G-C. GRCh37 (hg19) VCF-style: chr16-14687168-G-C.
Other names: c.725C>G, p.Pro242Arg (NM_001134477.3); c.770C>G, p.Pro257Arg (NM_001242992.2); short protein forms P303R, P257R, P242R.
Identifiers: ClinVar variation 1390009 (VCV001390009.8), dbSNP rs1211898404, ClinGen allele CA394804535.

ClinVar aggregate classification (germline): Uncertain significance (1 of 4 stars; one submission).

Conditions:
Dyskeratosis congenita, autosomal recessive 6 (DKCB6). Identifiers: MedGen C4225356, MONDO:0014600, OMIM 616353.
Pulmonary fibrosis and/or bone marrow failure, Telomere-related, 4. Also called: PULMONARY FIBROSIS AND/OR BONE MARROW FAILURE SYNDROME, TELOMERE-RELATED, 4. Identifiers: Orphanet 2032, MedGen C4225347, MONDO:0014612, OMIM 616371.

Allele frequency attached by ClinVar (database versions not stated): gnomAD exomes below 0.00001; TOPMed below 0.00001.
gnomAD v4.1: 2 of 1,575,072 alleles (0.00013%); highest among the groups gnomAD compares: African/African-American, 0.0014%; no homozygotes.

Submission:

Labcorp Genetics (formerly Invitae), Labcorp
Classification: Uncertain significance for Dyskeratosis congenita, autosomal recessive 6; Pulmonary fibrosis and/or bone marrow failure, Telomere-related, 4. Last evaluated: 2020-11-18. Review status: criteria provided, single submitter. Criteria: Invitae Variant Classification Sherloc (09022015). Collection method: clinical testing. Allele origin: germline.
Comment: In summary, the available evidence is currently insufficient to determine the role of this variant in disease. Therefore, it has been classified as a Variant of Uncertain Significance. Algorithms developed to predict the effect of missense changes on protein structure and function are either unavailable or do not agree on the potential impact of this missense change (SIFT: "Tolerated"; PolyPhen-2: "Probably Damaging"; Align-GVGD: "Class C0"). This variant has not been reported in the literature in individuals with PARN-related conditions. This variant is not present in population databases (ExAC no frequency). This sequence change replaces proline with arginine at codon 303 of the PARN protein (p.Pro303Arg). The proline residue is moderately conserved and there is a moderate physicochemical difference between proline and arginine.